The following is an entry in ClinVar:

NM_000051.4(ATM):c.7304A>T (p.Asn2435Ile)

Genes: ATM (ATM serine/threonine kinase; plus strand), C11orf65 (chromosome 11 open reading frame 65; minus strand). Cytogenetic location: 11q22.3.
Variant type: single nucleotide variant.
Coding change: c.7304A>T on transcript NM_000051.4 (MANE Select); coding-DNA position 7304, A replaced by T.
Protein change: p.Asn2435Ile; replaces asparagine 2435 with isoleucine.
Molecular consequence: missense variant. On other transcripts: intron variant (2).
Genome position (GRCh38, 1-based): chr11:108,329,235, A>T. VCF-style: chr11-108329235-A-T. GRCh37 (hg19) VCF-style: chr11-108199962-A-T.
Other names: c.7304A>T, p.Asn2435Ile (NM_001351834.2); c.641-20164T>A (NM_001330368.2); c.*38+5985T>A (NM_001351110.2); short protein forms N2435I.
Identifiers: ClinVar variation 3321974 (VCV003321974.1).

ClinVar aggregate classification (germline): Uncertain significance (1 of 4 stars; one submission).

Conditions:
Hereditary cancer-predisposing syndrome. Also called: Neoplastic Syndromes, Hereditary; Tumor predisposition; Hereditary Cancer Syndrome; Hereditary neoplastic syndrome. Identifiers: Orphanet 140162, MedGen C0027672, MeSH D009386, MONDO:0015356.

Submission:

Ambry Genetics
Classification: Uncertain significance for Hereditary cancer-predisposing syndrome. Last evaluated: 2024-06-15. Review status: criteria provided, single submitter. Criteria: Ambry Variant Classification Scheme 2023. Collection method: clinical testing. Allele origin: germline.
Comment: The p.N2435I variant (also known as c.7304A>T), located in coding exon 48 of the ATM gene, results from an A to T substitution at nucleotide position 7304. The asparagine at codon 2435 is replaced by isoleucine, an amino acid with dissimilar properties. This amino acid position is conserved. In addition, the in silico prediction for this alteration is inconclusive. Based on the available evidence, the clinical significance of this variant remains unclear.